The following is an entry in ClinVar:

ClinVar aggregate classification (germline): Uncertain significance. Review status: criteria provided, multiple submitters, no conflicts (2 of 4 stars). 2 submissions from 2 submitters: Uncertain significance (2). Last evaluated 2026-03-18.

Conditions:
ABCB4-related disorder. Also called: ABCB4-related disorders; ABCB4-related condition.
Inborn genetic diseases. Identifiers: MedGen C0950123, MeSH D030342.

gnomAD v4.1: 1 of 1,613,954 alleles (0.000062%); highest among the groups gnomAD compares: Non-Finnish European, 0.000085%; no homozygotes.

Submissions (2):

PreventionGenetics, part of Exact Sciences
Classification: Uncertain significance for ABCB4-related condition. Last evaluated: 2026-03-18. Review status: criteria provided, single submitter. Criteria: ACMG Guidelines, 2015. Collection method: clinical testing. Allele origin: germline.
Comment: The ABCB4 c.356A>T variant is predicted to result in the amino acid substitution p.Tyr119Phe. To our knowledge, this variant has not been reported in the literature or in a large population database (gnomAD), indicating this variant is rare. At this time, the clinical significance of this variant is uncertain due to the absence of conclusive functional and genetic evidence.

Ambry Genetics
Classification: Uncertain significance for Inborn genetic diseases. Last evaluated: 2024-11-15. Review status: criteria provided, single submitter. Criteria: Ambry Variant Classification Scheme 2023. Collection method: clinical testing. Allele origin: germline.

NM_000443.4(ABCB4):c.356A>T (p.Tyr119Phe)

Gene: ABCB4 (ATP binding cassette subfamily B member 4; minus strand). Cytogenetic location: 7q21.12.
Variant type: single nucleotide variant.
Coding change: c.356A>T on transcript NM_000443.4 (MANE Select); coding-DNA position 356, A replaced by T.
Protein change: p.Tyr119Phe; replaces tyrosine 119 with phenylalanine.
Molecular consequence: missense variant.
Genome position (GRCh38, 1-based): chr7:87,453,124, T>A on the plus strand (A>T on the coding strand, the complement: ABCB4 is on the minus strand). VCF-style: chr7-87453124-T-A. GRCh37 (hg19) VCF-style: chr7-87082440-T-A.
Other names: c.356A>T, p.Tyr119Phe (NM_018849.3, NM_018850.3); short protein forms Y119F.
Identifiers: ClinVar variation 3533622 (VCV003533622.2).